The following is an entry in ClinVar:

ClinVar aggregate classification (germline): Likely benign. Review status: criteria provided, multiple submitters, no conflicts (2 of 4 stars). 4 submissions from 4 submitters: Likely benign (2). 2 of the submissions do not count toward it. Last evaluated 2025-02-16.

Conditions:
Mitochondrial non-syndromic sensorineural hearing loss. Also called: Nonsyndromic Hearing Loss and Deafness, Mitochondrial. Identifiers: Orphanet 90641, MedGen C3151897, MONDO:0010779, OMIM 500008.

Submissions (4):

Laboratory of Genetics, Children's Clinical University Hospital Latvia
Classification: Likely benign. Last evaluated: 2025-02-16. Review status: criteria provided, single submitter. Criteria: ACMG Guidelines, 2015. Collection method: clinical testing. Allele origin: germline. Affected: yes.

Laboratory for Molecular Medicine, Mass General Brigham Personalized Medicine
Classification: Likely benign. Last evaluated: 2015-02-06. Review status: criteria provided, single submitter. Criteria: LMM Criteria. Collection method: clinical testing. Allele origin: germline. Observed: 19 variant alleles.
Comment: m.961T>G in MTRNR1: This variant is not expected to have clinical significance b ecause it has been reported in phylogenetic studies with a haplogroup-specific f requency in central Europeans of 98% ( b.igp.uu.se). Several studies have associated this variant with maternally inher ited hearing loss (Li 2004, Yelverton 2013). However, other studies have identif ied this variant as common in the general population with similar frequencies am ong hearing loss patients and controls (0.2% ? 3%) (Bardien 2009, Elstner 2008, Konings 2008, Rydzanicz 2010; 6 observations in the LOVD database d.nl/2.0; 0.2% (5/2704) in mtDB; 1% in HmtDB w.hmtdb.uniba.it:8080/hmdb). In addition, in one study there was no difference o bserved in the mitochondrial translation products with the m.961T>G mutation com pared to controls (Elstner 2008). Moreover, this region of mitochondrial DNA is not evolutionarily conserved and its function is not well defined. Of note, chic ken has guanine at position m.961 (Konings 2008). One study of cystic fibrosis a dult patients did not observe a correlation between this variant and aminoglycos ide ototoxicity (Conrad 2008). In summary, the current data for this variant sup ports a likely benign role.

GeneReviews
Classification: Uncertain significance for Mitochondrial non-syndromic sensorineural hearing loss. Last evaluated: 2018-06-14. Review status: no assertion criteria provided. Collection method: literature only. Allele origin: maternal. Not counted in ClinVar's aggregate classification.

OMIM
Classification: Pathogenic for DEAFNESS, NONSYNDROMIC SENSORINEURAL, MITOCHONDRIAL. Last evaluated: 2004-08-01. Review status: no assertion criteria provided. Collection method: literature only. Allele origin: germline. Not counted in ClinVar's aggregate classification.

Literature cited by the submitters: PubMed 15286157 (cited by Laboratory for Molecular Medicine, Mass General Brigham Personalized Medicine and OMIM); PubMed 19144107 (cited by Laboratory for Molecular Medicine, Mass General Brigham Personalized Medicine); PubMed 18495510 (cited by Laboratory for Molecular Medicine, Mass General Brigham Personalized Medicine); PubMed 18851951 (cited by Laboratory for Molecular Medicine, Mass General Brigham Personalized Medicine); PubMed 16044424 (cited by Laboratory for Molecular Medicine, Mass General Brigham Personalized Medicine); PubMed 18790089 (cited by Laboratory for Molecular Medicine, Mass General Brigham Personalized Medicine); PubMed 20353758 (cited by Laboratory for Molecular Medicine, Mass General Brigham Personalized Medicine); PubMed 17079881 (cited by Laboratory for Molecular Medicine, Mass General Brigham Personalized Medicine); PubMed 11820805 (cited by Laboratory for Molecular Medicine, Mass General Brigham Personalized Medicine); PubMed 19188198 (cited by Laboratory for Molecular Medicine, Mass General Brigham Personalized Medicine); PubMed 12394346 (cited by Laboratory for Molecular Medicine, Mass General Brigham Personalized Medicine); PubMed 23525847 (cited by Laboratory for Molecular Medicine, Mass General Brigham Personalized Medicine); PubMed 23969527 (cited by GeneReviews); Gueran 23969527 (cited by GeneReviews); PubMed 20301595 (cited by GeneReviews).

NC_012920.1(MT-RNR1):m.961T>G

Gene: MT-RNR1 (mitochondrially encoded 12S RNA; plus strand).
Variant type: single nucleotide variant.
Genome position: chrM-961-T-G.
Other names: 961T-G.
Identifiers: ClinVar variation 9633 (VCV000009633.7), dbSNP rs3888511, ClinGen allele CA131022.